The following is an entry in ClinVar:

ClinVar aggregate classification (germline): Uncertain significance. Review status: criteria provided, multiple submitters, no conflicts (2 of 4 stars). 2 submissions from 2 submitters: Uncertain significance (2). Last evaluated 2025-11-06.

Allele frequency attached by ClinVar (database versions not stated): ExAC 0.00001; gnomAD exomes 0.00001; TOPMed 0.00001; gnomAD 0.00002; ESP Exome Variant Server 0.00008.
gnomAD v4.1: 15 of 1,613,894 alleles (0.00093%); highest among the groups gnomAD compares: East Asian, 0.0045%; no homozygotes.

Submissions (2):

Labcorp Genetics (formerly Invitae), Labcorp
Classification: Uncertain significance. Last evaluated: 2025-11-06. Review status: criteria provided, single submitter. Criteria: Invitae Variant Classification Sherloc (09022015). Collection method: clinical testing. Allele origin: germline.
Comment: This sequence change replaces methionine, which is neutral and non-polar, with valine, which is neutral and non-polar, at codon 7 of the GINS1 protein (p.Met7Val). This variant is present in population databases (rs369461117, gnomAD 0.0009%). This variant has not been reported in the literature in individuals affected with GINS1-related conditions. ClinVar contains an entry for this variant (Variation ID: 1931958). An algorithm developed to predict the effect of missense changes on protein structure and function outputs the following: PolyPhen-2: "Benign". The valine amino acid residue is found in multiple mammalian species, which suggests that this missense change does not adversely affect protein function. In summary, the available evidence is currently insufficient to determine the role of this variant in disease. Therefore, it has been classified as a Variant of Uncertain Significance.

Blueprint Genetics
Classification: Uncertain significance. Last evaluated: 2018-11-05. Review status: criteria provided, single submitter. Criteria: ACMG Guidelines, 2015. Collection method: clinical testing. Allele origin: germline.

NM_021067.5(GINS1):c.19A>G (p.Met7Val)

Genes: GINS1 (GINS complex subunit 1; plus strand), LOC130065587 (ATAC-STARR-seq lymphoblastoid active region 17669; plus strand). Cytogenetic location: 20p11.21.
Variant type: single nucleotide variant.
Coding change: c.19A>G on transcript NM_021067.5 (MANE Select); coding-DNA position 19, A replaced by G.
Protein change: p.Met7Val; replaces methionine 7 with valine.
Molecular consequence: missense variant. On other transcripts: non-coding transcript variant (1).
Genome position (GRCh38, 1-based): chr20:25,407,839, A>G. VCF-style: chr20-25407839-A-G. GRCh37 (hg19) VCF-style: chr20-25388475-A-G.
Other names: c.19A>G, p.Met7Val (NM_001410830.1, NM_001410831.1); short protein forms M7V.
Identifiers: ClinVar variation 1931958 (VCV001931958.6), dbSNP rs369461117, ClinGen allele CA9796366.